The following is an entry in ClinVar:

ClinVar aggregate classification (germline): Uncertain significance (1 of 4 stars; one submission).

Conditions:
Left ventricular noncompaction 8 (LVNC8). Identifiers: Orphanet 154, Orphanet 54260, MedGen C3809288, MONDO:0014152, OMIM 615373.

gnomAD v4.1: 4 of 1,613,584 alleles (0.00025%); highest among the groups gnomAD compares: African/African-American, 0.0053%; no homozygotes.

Submission:

Labcorp Genetics (formerly Invitae), Labcorp
Classification: Uncertain significance for Left ventricular noncompaction 8. Last evaluated: 2025-11-24. Review status: criteria provided, single submitter. Criteria: Invitae Variant Classification Sherloc (09022015). Collection method: clinical testing. Allele origin: germline.
Comment: This sequence change replaces alanine, which is neutral and non-polar, with threonine, which is neutral and polar, at codon 1269 of the PRDM16 protein (p.Ala1269Thr). This variant is present in population databases (no rsID available, gnomAD 0.01%). This variant has not been reported in the literature in individuals affected with PRDM16-related conditions. An algorithm developed to predict the effect of missense changes on protein structure and function (PolyPhen-2) suggests that this variant is likely to be tolerated. In summary, the available evidence is currently insufficient to determine the role of this variant in disease. Therefore, it has been classified as a Variant of Uncertain Significance.

NM_022114.4(PRDM16):c.3805G>A (p.Ala1269Thr)

Gene: PRDM16 (PR/SET domain 16; plus strand). Cytogenetic location: 1p36.32.
Variant type: single nucleotide variant.
Coding change: c.3805G>A on transcript NM_022114.4 (MANE Select); coding-DNA position 3805, G replaced by A.
Protein change: p.Ala1269Thr; replaces alanine 1269 with threonine.
Molecular consequence: missense variant.
Genome position (GRCh38, 1-based): chr1:3,433,785, G>A. VCF-style: chr1-3433785-G-A. GRCh37 (hg19) VCF-style: chr1-3350349-G-A.
Other names: c.3748G>A, p.Ala1250Thr (NM_199454.3); short protein forms A1269T, A1250T.
Identifiers: ClinVar variation 4705037 (VCV004705037.1).